The following is an entry in ClinVar:

ClinVar aggregate classification (germline): Uncertain significance. Review status: criteria provided, multiple submitters, no conflicts (2 of 4 stars). 2 submissions from 2 submitters: Uncertain significance (2). Last evaluated 2024-09-27.

Allele frequency attached by ClinVar (database versions not stated): gnomAD exomes 0.00001; gnomAD 0.00003; TOPMed 0.00004; ESP Exome Variant Server 0.00015.
gnomAD v4.1: 17 of 1,613,034 alleles (0.0011%); highest among the groups gnomAD compares: African/African-American, 0.004%; no homozygotes.

Submissions (2):

Ambry Genetics
Classification: Uncertain significance. Last evaluated: 2024-09-27. Review status: criteria provided, single submitter. Criteria: Ambry Variant Classification Scheme 2023. Collection method: clinical testing. Allele origin: germline.

Labcorp Genetics (formerly Invitae), Labcorp
Classification: Uncertain significance. Last evaluated: 2023-01-10. Review status: criteria provided, single submitter. Criteria: Invitae Variant Classification Sherloc (09022015). Collection method: clinical testing. Allele origin: germline.
Comment: Algorithms developed to predict the effect of missense changes on protein structure and function (SIFT, PolyPhen-2, Align-GVGD) all suggest that this variant is likely to be tolerated. In summary, the available evidence is currently insufficient to determine the role of this variant in disease. Therefore, it has been classified as a Variant of Uncertain Significance. This variant has not been reported in the literature in individuals affected with TNK2-related conditions. The frequency data for this variant in the population databases is considered unreliable, as metrics indicate poor data quality at this position in the gnomAD database. This sequence change replaces lysine, which is basic and polar, with arginine, which is basic and polar, at codon 408 of the TNK2 protein (p.Lys408Arg).

NM_001382273.1(TNK2):c.1034A>G (p.Lys345Arg)

Gene: TNK2 (tyrosine kinase non receptor 2; minus strand). Cytogenetic location: 3q29.
Variant type: single nucleotide variant.
Coding change: c.1034A>G on transcript NM_001382273.1 (MANE Select); coding-DNA position 1034, A replaced by G.
Protein change: p.Lys345Arg; replaces lysine 345 with arginine.
Molecular consequence: missense variant. On other transcripts: non-coding transcript variant (15).
Genome position (GRCh38, 1-based): chr3:195,878,573, T>C on the plus strand (A>G on the coding strand, the complement: TNK2 is on the minus strand). VCF-style: chr3-195878573-T-C. GRCh37 (hg19) VCF-style: chr3-195605444-T-C.
Other names: c.1223A>G (NM_001010938.1); c.1034A>G, p.Lys345Arg (NM_001387719.1, NM_001387720.1, NM_001387721.1 and 12 more transcripts); c.1106A>G, p.Lys369Arg (NM_001387715.1, NM_001010938.2, NM_001382272.1 and 1 more transcripts); c.1130A>G, p.Lys377Arg (NM_001308046.2, NM_001382271.1, NM_001382275.1 and 1 more transcripts); short protein forms K369R, K345R, K377R.
Identifiers: ClinVar variation 2780856 (VCV002780856.4), dbSNP rs369579729, ClinGen allele CA90765892.